The following is an entry in ClinVar:

NM_006648.4(WNK2):c.5482G>A (p.Val1828Met)

Gene: WNK2 (WNK lysine deficient protein kinase 2; plus strand). Cytogenetic location: 9q22.31.
Variant type: single nucleotide variant.
Coding change: c.5482G>A on transcript NM_006648.4 (MANE Select); coding-DNA position 5482, G replaced by A.
Protein change: p.Val1828Met; replaces valine 1828 with methionine.
Molecular consequence: missense variant.
Genome position (GRCh38, 1-based): chr9:93,292,947, G>A. VCF-style: chr9-93292947-G-A. GRCh37 (hg19) VCF-style: chr9-96055229-G-A.
Other names: c.5593G>A, p.Val1865Met (NM_001282394.3); short protein forms V1828M, V1865M.
Identifiers: ClinVar variation 3470348 (VCV003470348.1).

ClinVar aggregate classification (germline): Uncertain significance (1 of 4 stars; one submission).

gnomAD v4.1: 66 of 1,533,730 alleles (0.0043%); highest among the groups gnomAD compares: Non-Finnish European, 0.0055%; no homozygotes.

Submission:

Ambry Genetics
Classification: Uncertain significance. Last evaluated: 2024-11-23. Review status: criteria provided, single submitter. Criteria: Ambry Variant Classification Scheme 2023. Collection method: clinical testing. Allele origin: germline.
Comment: The p.V1828M variant (also known as c.5482G>A), located in coding exon 22 of the WNK2 gene, results from a G to A substitution at nucleotide position 5482. The valine at codon 1828 is replaced by methionine, an amino acid with highly similar properties. This amino acid position is conserved. In addition, this alteration is predicted to be tolerated by in silico analysis. Based on the available evidence, the clinical significance of this variant remains unclear.